The following is an entry in ClinVar:

NM_001378615.1(CC2D2A):c.2107G>A (p.Ala703Thr)

Genes: CC2D2A (coiled-coil and C2 domain containing 2A; plus strand), FBXL5 (F-box and leucine rich repeat protein 5; minus strand). Cytogenetic location: 4p15.32.
Variant type: single nucleotide variant.
Coding change: c.2107G>A on transcript NM_001378615.1 (MANE Select); coding-DNA position 2107, G replaced by A.
Protein change: p.Ala703Thr; replaces alanine 703 with threonine.
Molecular consequence: missense variant.
Genome position (GRCh38, 1-based): chr4:15,540,940, G>A. VCF-style: chr4-15540940-G-A. GRCh37 (hg19) VCF-style: chr4-15542563-G-A.
Other names: c.1960G>A, p.Ala654Thr (NM_001378617.1); c.2107G>A, p.Ala703Thr (NM_001080522.2); short protein forms A654T, A703T.
Identifiers: ClinVar variation 2084160 (VCV002084160.3), dbSNP rs1718399406, ClinGen allele CA356413685.
Genomic context (GRCh38, chr4:15,540,940, plus strand): 5'-TACTTAAAAGTGCTGTTCAACAACAAGGAGGTGTCCAGGACAGTCAGTCGGCCACTAGGA[G>A]CAGACTTCCGAGTTCACTTTGGGCAGATTTTCAATTTGCAAATAGTCAACTGGCCGGAGA-3'
Protein context (NP_001365544.1, residues 693-713): VSRTVSRPLG[Ala703Thr]DFRVHFGQIF

ClinVar aggregate classification (germline): Uncertain significance (1 of 4 stars; one submission).

Conditions:
Joubert syndrome. Also called: JOUBERT-BOLTSHAUSER SYNDROME; Familial aplasia of the vermis. Identifiers: Orphanet 475, MedGen C5979921, MONDO:0018772.
Meckel-Gruber syndrome. Also called: DYSENCEPHALIA SPLANCHNOCYSTICA; GRUBER SYNDROME; Dysencephalia splachnocystica. Identifiers: Orphanet 564, MedGen C0265215, MONDO:0018921.

Allele frequency attached by ClinVar (database versions not stated): TOPMed below 0.00001.

Submission:

Labcorp Genetics (formerly Invitae), Labcorp
Classification: Uncertain significance for Joubert syndrome; Meckel-Gruber syndrome. Last evaluated: 2024-10-23. Review status: criteria provided, single submitter. Criteria: Invitae Variant Classification Sherloc (09022015). Collection method: clinical testing. Allele origin: germline.
Comment: This sequence change replaces alanine, which is neutral and non-polar, with threonine, which is neutral and polar, at codon 703 of the CC2D2A protein (p.Ala703Thr). This variant is not present in population databases (gnomAD no frequency). This variant has not been reported in the literature in individuals affected with CC2D2A-related conditions. ClinVar contains an entry for this variant (Variation ID: 2084160). Invitae Evidence Modeling of protein sequence and biophysical properties (such as structural, functional, and spatial information, amino acid conservation, physicochemical variation, residue mobility, and thermodynamic stability) indicates that this missense variant is not expected to disrupt CC2D2A protein function with a negative predictive value of 95%. In summary, the available evidence is currently insufficient to determine the role of this variant in disease. Therefore, it has been classified as a Variant of Uncertain Significance.